The following is an entry in ClinVar:

NM_001002295.2(GATA3):c.279_289del (p.Leu94fs)

Gene: GATA3 (GATA binding protein 3; plus strand). Cytogenetic location: 10p14.
Variant type: Deletion.
Coding change: c.279_289del on transcript NM_001002295.2 (MANE Select); coding-DNA positions 279 to 289, 11 bases deleted (CCTACCCTGGC).
Protein change: p.Leu94fs; shifts the reading frame from leucine 94.
Molecular consequence: frameshift variant.
Genome position (GRCh38, 1-based): chr10:8,058,342-8,058,352, CCTACCCTGGC deleted; deleting any 11 consecutive bases within chr10:8,058,341-8,058,352 gives the same sequence; the c. name uses the placement nearest the transcript's 3' end. VCF-style (leftmost placement, unchanged base first): chr10-8058340-TCCCTACCCTGG-T. GRCh37 (hg19) VCF-style: chr10-8100303-TCCCTACCCTGG-T.
Other names: c.279_289del, p.Leu94fs (NM_002051.3); short protein forms L94fs.
Identifiers: ClinVar variation 2821766 (VCV002821766.3), dbSNP rs2491460045, ClinGen allele CA2739265276.

ClinVar aggregate classification (germline): Pathogenic (1 of 4 stars; one submission).

Submission:

Labcorp Genetics (formerly Invitae), Labcorp
Classification: Pathogenic. Last evaluated: 2022-12-17. Review status: criteria provided, single submitter. Criteria: Invitae Variant Classification Sherloc (09022015). Collection method: clinical testing. Allele origin: germline.
Comment: This sequence change creates a premature translational stop signal (p.Leu94Glyfs*206) in the GATA3 gene. It is expected to result in an absent or disrupted protein product. Loss-of-function variants in GATA3 are known to be pathogenic (PMID: 14985365, 21242646). This variant is not present in population databases (gnomAD no frequency). This variant has not been reported in the literature in individuals affected with GATA3-related conditions. For these reasons, this variant has been classified as Pathogenic.

Literature cited by the submitters: PubMed 14985365; PubMed 21242646.